The following is an entry in ClinVar:

NM_015338.6(ASXL1):c.64G>C (p.Glu22Gln)

Gene: ASXL1 (ASXL transcriptional regulator 1; plus strand). Cytogenetic location: 20q11.21.
Variant type: single nucleotide variant.
Coding change: c.64G>C on transcript NM_015338.6 (MANE Select); coding-DNA position 64, G replaced by C.
Protein change: p.Glu22Gln; replaces glutamic acid 22 with glutamine.
Molecular consequence: missense variant.
Genome position (GRCh38, 1-based): chr20:32,366,390, G>C. VCF-style: chr20-32366390-G-C. GRCh37 (hg19) VCF-style: chr20-30954193-G-C.
Other names: c.64G>C, p.Glu22Gln (NM_001164603.1); c.34G>C, p.Glu12Gln (NM_001363734.1); short protein forms E12Q, E22Q.
Identifiers: ClinVar variation 4727985 (VCV004727985.1).

ClinVar aggregate classification (germline): Uncertain significance (1 of 4 stars; one submission).

Submission:

Labcorp Genetics (formerly Invitae), Labcorp
Classification: Uncertain significance. Last evaluated: 2026-01-27. Review status: criteria provided, single submitter. Criteria: Invitae Variant Classification Sherloc (09022015). Collection method: clinical testing. Allele origin: germline.
Comment: This sequence change replaces glutamic acid, which is acidic and polar, with glutamine, which is neutral and polar, at codon 22 of the ASXL1 protein (p.Glu22Gln). This variant is not present in population databases (gnomAD no frequency). This variant has not been reported in the literature in individuals affected with ASXL1-related conditions. An algorithm developed to predict the effect of missense changes on protein structure and function (PolyPhen-2) suggests that this variant is likely to be disruptive. In summary, the available evidence is currently insufficient to determine the role of this variant in disease. Therefore, it has been classified as a Variant of Uncertain Significance.